The following is an entry in ClinVar:

NM_003079.5(SMARCE1):c.814del (p.Arg272fs)

Gene: SMARCE1 (SWI/SNF related BAF chromatin remodeling complex subunit E1; minus strand). Cytogenetic location: 17q21.2.
Variant type: Deletion.
Coding change: c.814del on transcript NM_003079.5 (MANE Select); coding-DNA position 814, one base deleted (A; older notation c.814delA).
Protein change: p.Arg272fs; shifts the reading frame from arginine 272.
Molecular consequence: frameshift variant.
Genome position (GRCh38, 1-based): chr17:40,631,594, T deleted on the plus strand (A on the coding strand, the reverse complement: SMARCE1 is on the minus strand); the first of 4 consecutive T bases (chr17:40,631,594-40,631,597); deleting any one gives the same sequence. VCF-style (leftmost placement, unchanged base first): chr17-40631593-CT-C. GRCh37 (hg19) VCF-style: chr17-38787845-CT-C.
Other names: short protein forms R272fs.
Identifiers: ClinVar variation 2972862 (VCV002972862.3), dbSNP rs2143986835, ClinGen allele CA915940757.
Genomic context (GRCh38, chr17:40,631,593, plus strand): 5'-AGGAAAAATAAAGTAACAGGTATAGTGATAAAAGTATAGTTAACATATTAAACAGATACC[CT>C]TTTAAGTTCATTGTTAAATGAATCTGTGCTTTCCAGGAATTTCCTCTTCTTCTCCTGGTG-3'

ClinVar aggregate classification (germline): Pathogenic (1 of 4 stars; one submission).

Conditions:
Familial meningioma. Also called: Meningioma, familial, susceptibility to. Identifiers: Orphanet 263662, MedGen C3551915, MONDO:0011789, OMIM 607174.

Submission:

Labcorp Genetics (formerly Invitae), Labcorp
Classification: Pathogenic for Familial meningioma. Last evaluated: 2023-12-29. Review status: criteria provided, single submitter. Criteria: Invitae Variant Classification Sherloc (09022015). Collection method: clinical testing. Allele origin: germline.
Comment: This sequence change creates a premature translational stop signal (p.Arg272Glyfs*5) in the SMARCE1 gene. It is expected to result in an absent or disrupted protein product. Loss-of-function variants in SMARCE1 are known to be pathogenic (PMID: 23377182). This variant is not present in population databases (gnomAD no frequency). This premature translational stop signal has been observed in individual(s) with meningioma (PMID: 26803492). For these reasons, this variant has been classified as Pathogenic.

Literature cited by the submitters: PubMed 23377182; PubMed 26803492.